The following is an entry in ClinVar:

ClinVar aggregate classification (germline): Uncertain significance. Review status: criteria provided, multiple submitters, no conflicts (2 of 4 stars). 2 submissions from 2 submitters: Uncertain significance (2). Last evaluated 2025-02-03.

Conditions:
Inborn genetic diseases. Identifiers: MedGen C0950123, MeSH D030342.

gnomAD v4.1: 12 of 1,614,156 alleles (0.00074%); highest among the groups gnomAD compares: Non-Finnish European, 0.00093%; no homozygotes.

Submissions (2):

Labcorp Genetics (formerly Invitae), Labcorp
Classification: Uncertain significance. Last evaluated: 2025-02-03. Review status: criteria provided, single submitter. Criteria: Invitae Variant Classification Sherloc (09022015). Collection method: clinical testing. Allele origin: germline.
Comment: This sequence change replaces cysteine, which is neutral and slightly polar, with glycine, which is neutral and non-polar, at codon 589 of the DSG1 protein (p.Cys589Gly). This variant is not present in population databases (gnomAD no frequency). This variant has not been reported in the literature in individuals affected with DSG1-related conditions. ClinVar contains an entry for this variant (Variation ID: 1945216). Invitae Evidence Modeling of protein sequence and biophysical properties (such as structural, functional, and spatial information, amino acid conservation, physicochemical variation, residue mobility, and thermodynamic stability) indicates that this missense variant is not expected to disrupt DSG1 protein function with a negative predictive value of 80%. In summary, the available evidence is currently insufficient to determine the role of this variant in disease. Therefore, it has been classified as a Variant of Uncertain Significance.

Ambry Genetics
Classification: Uncertain significance for Inborn genetic diseases. Last evaluated: 2021-08-12. Review status: criteria provided, single submitter. Criteria: Ambry Variant Classification Scheme 2023. Collection method: clinical testing. Allele origin: germline.

NM_001942.4(DSG1):c.1765T>G (p.Cys589Gly)

Genes: DSG1 (desmoglein 1; plus strand), DSG1-AS1 (DSG1 antisense RNA 1; minus strand). Cytogenetic location: 18q12.1.
Variant type: single nucleotide variant.
Coding change: c.1765T>G on transcript NM_001942.4 (MANE Select); coding-DNA position 1765, T replaced by G.
Protein change: p.Cys589Gly; replaces cysteine 589 with glycine.
Molecular consequence: missense variant. On other transcripts: non-coding transcript variant (2).
Genome position (GRCh38, 1-based): chr18:31,343,527, T>G. VCF-style: chr18-31343527-T-G. GRCh37 (hg19) VCF-style: chr18-28923490-T-G.
Other names: short protein forms C589G.
Identifiers: ClinVar variation 1945216 (VCV001945216.6), dbSNP rs1216730930, ClinGen allele CA402117376.